The following is an entry in ClinVar:

NM_001276252.2(WDTC1):c.2024G>A (p.Arg675Gln)

Gene: WDTC1 (WD and tetratricopeptide repeats 1; plus strand). Cytogenetic location: 1p36.11.
Variant type: single nucleotide variant.
Coding change: c.2024G>A on transcript NM_001276252.2 (MANE Select); coding-DNA position 2024, G replaced by A.
Protein change: p.Arg675Gln; replaces arginine 675 with glutamine.
Molecular consequence: missense variant. On other transcripts: 3 prime UTR variant (1).
Genome position (GRCh38, 1-based): chr1:27,306,373, G>A. VCF-style: chr1-27306373-G-A. GRCh37 (hg19) VCF-style: chr1-27632864-G-A.
Other names: c.*118G>A (NM_001410767.1); c.2021G>A, p.Arg674Gln (NM_015023.5); short protein forms R674Q, R675Q.
Identifiers: ClinVar variation 4539813 (VCV004539813.1).

ClinVar aggregate classification (germline): Uncertain significance (1 of 4 stars; one submission).

Conditions:
WDTC1-related disorder.

gnomAD v4.1: 15 of 1,611,742 alleles (0.00093%); highest among the groups gnomAD compares: African/African-American, 0.0053%; no homozygotes.

Submission:

Daryl Scott Lab, Baylor College of Medicine
Classification: Uncertain significance for WDTC1-related disorder. Last evaluated: 2025-08-25. Review status: criteria provided, single submitter. Criteria: ACMG Guidelines, 2015. Collection method: clinical testing. Allele origin: paternal. Affected: yes. Observed: 1 heterozygote.
Comment: PP3